The following is an entry in ClinVar:

ClinVar aggregate classification (germline): Uncertain significance (1 of 4 stars; one submission).

Conditions:
Neuropathy, hereditary sensory and autonomic, type 2A (HSAN2A). Also called: ACROOSTEOLYSIS, GIACCAI TYPE; ACROOSTEOLYSIS, NEUROGENIC; MORVAN DISEASE; NEUROPATHY, CONGENITAL SENSORY; NEUROPATHY, HEREDITARY SENSORY RADICULAR, AUTOSOMAL RECESSIVE; NEUROPATHY, HEREDITARY SENSORY, TYPE IIA. Identifiers: Orphanet 970, MedGen C2752089, MONDO:0024309, OMIM 201300.
Pseudohypoaldosteronism type 2C (PHA2C). Also called: Pseudohypoaldosteronism Type IIC. Identifiers: Orphanet 757, Orphanet 88940, MedGen C1840391, MONDO:0013778, OMIM 614492.

Submission:

Labcorp Genetics (formerly Invitae), Labcorp
Classification: Uncertain significance for Neuropathy, hereditary sensory and autonomic, type 2A; Pseudohypoaldosteronism type 2C. Last evaluated: 2024-07-16. Review status: criteria provided, single submitter. Criteria: Invitae Variant Classification Sherloc (09022015). Collection method: clinical testing. Allele origin: germline.
Comment: This sequence change replaces isoleucine, which is neutral and non-polar, with valine, which is neutral and non-polar, at codon 817 of the WNK1 protein (p.Ile817Val). This variant is not present in population databases (gnomAD no frequency). This variant has not been reported in the literature in individuals affected with WNK1-related conditions. ClinVar contains an entry for this variant (Variation ID: 2027541). Advanced modeling of protein sequence and biophysical properties (such as structural, functional, and spatial information, amino acid conservation, physicochemical variation, residue mobility, and thermodynamic stability) performed at Invitae indicates that this missense variant is not expected to disrupt WNK1 protein function with a negative predictive value of 95%. Algorithms developed to predict the effect of sequence changes on RNA splicing suggest that this variant may create or strengthen a splice site. In summary, the available evidence is currently insufficient to determine the role of this variant in disease. Therefore, it has been classified as a Variant of Uncertain Significance.

NM_213655.5(WNK1):c.2449A>G (p.Ile817Val)

Gene: WNK1 (WNK lysine deficient protein kinase 1; plus strand). Cytogenetic location: 12p13.33.
Variant type: single nucleotide variant.
Coding change: c.2449A>G on transcript NM_213655.5 (MANE Plus Clinical); coding-DNA position 2449, A replaced by G.
Protein change: p.Ile817Val; replaces isoleucine 817 with valine.
Molecular consequence: missense variant. On other transcripts: intron variant (2).
Genome position (GRCh38, 1-based): chr12:867,920, A>G. VCF-style: chr12-867920-A-G. GRCh37 (hg19) VCF-style: chr12-977086-A-G.
Other names: c.2194A>G, p.Ile732Val (NM_001184985.2); c.2140-3345A>G (NM_018979.4, NM_014823.3); short protein forms I817V, I732V.
Identifiers: ClinVar variation 2027541 (VCV002027541.4), dbSNP rs2548778976, ClinGen allele CA383338803.
Genomic context (GRCh38, chr12:867,920, plus strand): 5'-ATACAGCCTCAGTCCATGGCGCATCCGTGTGGGGGGACCCCAACATACCCAGAATCACAG[A>G]TATTTTTCCCAACTATTCATGAACGTCCAGTTTCTTTTTCACCACCTCCCACCTGCCCAC-3'
Protein context (NP_998820.3, residues 807-827): GGTPTYPESQ[Ile817Val]FFPTIHERPV